The following is an entry in ClinVar:

ClinVar aggregate classification (germline): Likely benign (1 of 4 stars; one submission).

gnomAD v4.1: 54 of 1,612,470 alleles (0.0033%); highest among the groups gnomAD compares: African/African-American, 0.048%; no homozygotes.

Submission:

Women's Health and Genetics/Laboratory Corporation of America, LabCorp
Classification: Likely benign. Last evaluated: 2025-02-19. Review status: criteria provided, single submitter. Criteria: LabCorp Variant Classification Summary - May 2015. Collection method: clinical testing. Allele origin: germline.
Comment: Variant summary: PRX c.381+21C>T is located at a position not widely known to affect splicing. Consensus agreement among computation tools predict no significant impact on normal splicing. However, these predictions have yet to be confirmed by functional studies. The variant allele was found at a frequency of 3.4e-05 in 1605500 control chromosomes (gnomAD). This frequency is not higher than the maximum estimated for a pathogenic variant in PRX causing Charcot-Marie-Tooth disease type 4F (0.0011), allowing no conclusion about variant significance. To our knowledge, no occurrence of c.381+21C>T in individuals affected with Charcot-Marie-Tooth disease type 4F and no experimental evidence demonstrating its impact on protein function have been reported. No submitters have cited clinical-significance assessments for this variant to ClinVar. Based on the evidence outlined above, the variant was classified as likely benign.

NM_181882.3(PRX):c.381+21C>T

Gene: PRX (periaxin; minus strand). Cytogenetic location: 19q13.2.
Variant type: single nucleotide variant.
Coding change: c.381+21C>T on transcript NM_181882.3 (MANE Select); 21 bases into the intron after coding-DNA position 381, C replaced by T.
Molecular consequence: intron variant. On other transcripts: synonymous variant (1).
Genome position (GRCh38, 1-based): chr19:40,398,599, G>A on the plus strand (C>T on the coding strand, the complement: PRX is on the minus strand). VCF-style: chr19-40398599-G-A. GRCh37 (hg19) VCF-style: chr19-40904506-G-A.
Other names: c.402C>T, p.Ala134= (NM_020956.2); c.666+21C>T (NM_001411127.1).
Identifiers: ClinVar variation 3768923 (VCV003768923.1).